The following is an entry in ClinVar:

NM_021956.5(GRIK2):c.2086-16819C>T

Gene: GRIK2 (glutamate ionotropic receptor kainate type subunit 2; plus strand). Cytogenetic location: 6q16.3.
Variant type: single nucleotide variant.
Coding change: c.2086-16819C>T on transcript NM_021956.5 (MANE Select); 16819 bases into the intron before coding-DNA position 2086, C replaced by T.
Molecular consequence: intron variant.
Genome position (GRCh38, 1-based): chr6:102,018,522, C>T. VCF-style: chr6-102018522-C-T. GRCh37 (hg19) VCF-style: chr6-102466397-C-T.
Other names: c.2086-16819C>T (NM_175768.3, NM_001166247.1).
Identifiers: ClinVar variation 252988 (VCV000252988.3), dbSNP rs1335022, ClinGen allele CA10586145.

ClinVar aggregate classification (germline): association (0 of 4 stars; one submission).

Conditions:
Lip and oral cavity carcinoma. Identifiers: MedGen C0220641, MONDO:0023644.

Allele frequency attached by ClinVar (database versions not stated): 1000 Genomes Project 30x 0.25828; 1000 Genomes Project 0.26298; TOPMed 0.26821; gnomAD 0.26908 and 0.27120.
gnomAD v4.1: 41,227 of 151,874 alleles (27%); highest among the groups gnomAD compares: East Asian, 34%; 5,987 homozygotes.

Submission:

Department of Biological Science, Sunandan Divatia School of Science, NMIMS University
Classification: association for Lip and oral cavity carcinoma. Last evaluated: 2015-11-02. Review status: no assertion criteria provided. Collection method: case-control. Allele origin: not applicable.
Comment: The frequency of the homozygous SNP genotype was higher in the oral cancer patients in comparison to controls, implying the role of this genotype in predisposition of oral cancer while the heterozygous genotype had a higher frequency in the controls indicating decreased risk to oral cancer.

Literature cited by the submitters: PubMed 26614431.